The following is an entry in ClinVar:

NM_000183.3(HADHB):c.64+11T>C

Gene: HADHB (hydroxyacyl-CoA dehydrogenase trifunctional multienzyme complex subunit beta; plus strand). Cytogenetic location: 2p23.3.
Variant type: single nucleotide variant.
Coding change: c.64+11T>C on transcript NM_000183.3 (MANE Select); 11 bases into the intron after coding-DNA position 64, T replaced by C.
Molecular consequence: intron variant.
Genome position (GRCh38, 1-based): chr2:26,254,329, T>C. VCF-style: chr2-26254329-T-C. GRCh37 (hg19) VCF-style: chr2-26477197-T-C.
Other names: c.-86+11T>C (NM_001281513.2); c.64+11T>C (NM_001281512.2).
Identifiers: ClinVar variation 335401 (VCV000335401.15), dbSNP rs57709136, ClinGen allele CA1560060.

ClinVar aggregate classification (germline): Benign/Likely benign. Review status: criteria provided, multiple submitters, no conflicts (2 of 4 stars). 5 submissions from 5 submitters: Benign (1); Likely benign (3). 1 of the submissions does not count toward it. Last evaluated 2026-01-04.

Conditions:
HADHB-related disorder. Also called: HADHB-related condition.
Mitochondrial trifunctional protein deficiency. Identifiers: Orphanet 746, MedGen C1969443, MONDO:0012172.

Allele frequency attached by ClinVar (database versions not stated): gnomAD exomes 0.00013 and 0.00034; ExAC 0.00040; ESP Exome Variant Server 0.00123; gnomAD 0.00129 and 0.00141; 1000 Genomes Project 0.00140; TOPMed 0.00155; 1000 Genomes Project 30x 0.00187.

Submissions (5):

Labcorp Genetics (formerly Invitae), Labcorp
Classification: Benign for Mitochondrial trifunctional protein deficiency. Last evaluated: 2026-01-04. Review status: criteria provided, single submitter. Criteria: Invitae Variant Classification Sherloc (09022015). Collection method: clinical testing. Allele origin: germline.

Blueprint Genetics
Classification: Likely benign. Last evaluated: 2024-09-16. Review status: criteria provided, single submitter. Criteria: ACMG Guidelines, 2015. Collection method: clinical testing. Allele origin: germline.

GeneDx
Classification: Likely benign. Last evaluated: 2018-02-22. Review status: criteria provided, single submitter. Criteria: GeneDx Variant Classification (06012015). Collection method: clinical testing. Allele origin: germline. Affected: yes.
Comment: This variant is considered likely benign or benign based on one or more of the following criteria: it is a conservative change, it occurs at a poorly conserved position in the protein, it is predicted to be benign by multiple in silico algorithms, and/or has population frequency not consistent with disease.

Illumina Laboratory Services, Illumina
Classification: Likely benign for Mitochondrial trifunctional protein deficiency 1. Last evaluated: 2018-01-13. Review status: criteria provided, single submitter. Criteria: ICSL Variant Classification Criteria 13 December 2019. Collection method: clinical testing. Allele origin: germline.
Comment: This variant was observed in the ICSL laboratory as part of a predisposition screen in an ostensibly healthy population. It had not been previously curated by ICSL or reported in the Human Gene Mutation Database (HGMD: prior to June 1st, 2018), and was therefore a candidate for classification through an automated scoring system. Utilizing variant allele frequency, disease prevalence and penetrance estimates, and inheritance mode, an automated score was calculated to assess if this variant is too frequent to cause the disease. Based on the score and internal cut-off values, a variant classified as likely benign is not then subjected to further curation. The score for this variant resulted in a classification of likely benign for this disease.

PreventionGenetics, part of Exact Sciences
Classification: Likely benign for HADHB-related condition. Last evaluated: 2021-04-06. Review status: no assertion criteria provided. Collection method: clinical testing. Allele origin: germline. Not counted in ClinVar's aggregate classification.
Comment: This variant is classified as likely benign based on ACMG/AMP sequence variant interpretation guidelines (Richards et al. 2015 PMID: 25741868, with internal and published modifications).